The following is an entry in ClinVar:

NM_001042492.3(NF1):c.1210_1212del (p.Ser404del)

Gene: NF1 (neurofibromin 1; plus strand). Cytogenetic location: 17q11.2.
Variant type: Deletion.
Coding change: c.1210_1212del on transcript NM_001042492.3 (MANE Select); coding-DNA positions 1210 to 1212, 3 bases deleted (TCT; older notation c.1210_1212delTCT).
Protein change: p.Ser404del; deletes serine 404.
Molecular consequence: inframe deletion. On other transcripts: inframe indel (1).
Genome position (GRCh38, 1-based): chr17:31,201,435-31,201,437, TCT deleted; deleting any 3 consecutive bases within chr17:31,201,433-31,201,437 gives the same sequence; the c. name uses the placement nearest the transcript's 3' end. VCF-style (leftmost placement, unchanged base first): chr17-31201432-CCTT-C. GRCh37 (hg19) VCF-style: chr17-29528450-CCTT-C.
Other names: c.1210_1212delTCT (NM_000267.3); c.1210_1212delTCT, p.Ser404del (NM_000267.4); c.1210_1212del, p.Ser404del (NM_001128147.3); short protein forms S404del.
Identifiers: ClinVar variation 3238015 (VCV003238015.1), dbSNP rs2544799749.

ClinVar aggregate classification (germline): Uncertain significance (1 of 4 stars; one submission).

Conditions:
Hereditary cancer-predisposing syndrome. Also called: Neoplastic Syndromes, Hereditary; Tumor predisposition; Hereditary neoplastic syndrome; Hereditary Cancer Syndrome. Identifiers: Orphanet 140162, MedGen C0027672, MeSH D009386, MONDO:0015356.
Cardiovascular phenotype. Identifiers: MedGen CN230736.

Submission:

Ambry Genetics
Classification: Uncertain significance for Cardiovascular phenotype; Hereditary cancer-predisposing syndrome. Last evaluated: 2023-12-29. Review status: criteria provided, single submitter. Criteria: Ambry Variant Classification Scheme 2023. Collection method: clinical testing. Allele origin: germline.
Comment: The c.1210_1212delTCT variant (also known as p.S404del) is located in coding exon 11 of the NF1 gene. This variant results from an in-frame TCT deletion at nucleotide positions 1210 to 1212. This results in the in-frame deletion of a serine at codon 404. This amino acid position is well conserved in available vertebrate species. In addition, this alteration is predicted to be deleterious by in silico analysis (Choi Y et al. PLoS ONE. 2012; 7(10):e46688). Since supporting evidence is limited at this time, the clinical significance of this alteration remains unclear.